The following is an entry in ClinVar:

ClinVar aggregate classification (germline): Uncertain significance (1 of 4 stars; one submission).

Allele frequency attached by ClinVar (database versions not stated): gnomAD 0.00003; ExAC 0.00005; TOPMed 0.00005; gnomAD exomes 0.00008.
gnomAD v4.1: 116 of 1,614,008 alleles (0.0072%); highest among the groups gnomAD compares: Non-Finnish European, 0.0093%; no homozygotes.

Submission:

Labcorp Genetics (formerly Invitae), Labcorp
Classification: Uncertain significance. Last evaluated: 2025-02-13. Review status: criteria provided, single submitter. Criteria: Invitae Variant Classification Sherloc (09022015). Collection method: clinical testing. Allele origin: germline.
Comment: This sequence change replaces glutamic acid, which is acidic and polar, with alanine, which is neutral and non-polar, at codon 452 of the TET2 protein (p.Glu452Ala). This variant is present in population databases (rs778844658, gnomAD 0.009%). This variant has not been reported in the literature in individuals affected with TET2-related conditions. ClinVar contains an entry for this variant (Variation ID: 2176274). An algorithm developed to predict the effect of missense changes on protein structure and function (PolyPhen-2) suggests that this variant is likely to be tolerated. In summary, the available evidence is currently insufficient to determine the role of this variant in disease. Therefore, it has been classified as a Variant of Uncertain Significance.

NM_001127208.3(TET2):c.1355A>C (p.Glu452Ala)

Genes: TET2 (tet methylcytosine dioxygenase 2; plus strand), TET2-AS1 (TET2 antisense RNA 1; minus strand). Cytogenetic location: 4q24.
Variant type: single nucleotide variant.
Coding change: c.1355A>C on transcript NM_001127208.3 (MANE Select); coding-DNA position 1355, A replaced by C.
Protein change: p.Glu452Ala; replaces glutamic acid 452 with alanine.
Molecular consequence: missense variant.
Genome position (GRCh38, 1-based): chr4:105,235,297, A>C. VCF-style: chr4-105235297-A-C. GRCh37 (hg19) VCF-style: chr4-106156454-A-C.
Other names: c.1355A>C, p.Glu452Ala (NM_017628.4); short protein forms E452A.
Identifiers: ClinVar variation 2176274 (VCV002176274.2), dbSNP rs778844658, ClinGen allele CA3031667.